The following is an entry in ClinVar:

NM_020381.4(PDSS2):c.1113_1115del (p.Ala372del)

Gene: PDSS2 (decaprenyl diphosphate synthase subunit 2; minus strand). Cytogenetic location: 6q21.
Variant type: Deletion.
Coding change: c.1113_1115del on transcript NM_020381.4 (MANE Select); coding-DNA positions 1113 to 1115, 3 bases deleted (GGC; older notation c.1113_1115delGGC).
Protein change: p.Ala372del; deletes alanine 372.
Genome position (GRCh38, 1-based): chr6:107,154,704-107,154,706, GCC deleted on the plus strand (GGC on the coding strand, the reverse complement: PDSS2 is on the minus strand). VCF-style (leftmost placement, unchanged base first): chr6-107154703-TGCC-T. GRCh37 (hg19) VCF-style: chr6-107475907-TGCC-T.
Other names: short protein forms A372del.
Identifiers: ClinVar variation 4765146 (VCV004765146.1).

ClinVar aggregate classification (germline): Uncertain significance (1 of 4 stars; one submission).

Submission:

Labcorp Genetics (formerly Invitae), Labcorp
Classification: Uncertain significance. Last evaluated: 2026-01-02. Review status: criteria provided, single submitter. Criteria: Invitae Variant Classification Sherloc (09022015). Collection method: clinical testing. Allele origin: germline.
Comment: This variant, c.1113_1115del, results in the deletion of 1 amino acid(s) of the PDSS2 protein (p.Ala372del), but otherwise preserves the integrity of the reading frame. This variant is present in population databases (rs782023460, gnomAD 0.02%). This variant has not been reported in the literature in individuals affected with PDSS2-related conditions. Experimental studies and prediction algorithms are not available or were not evaluated, and the functional significance of this variant is currently unknown. In summary, the available evidence is currently insufficient to determine the role of this variant in disease. Therefore, it has been classified as a Variant of Uncertain Significance.